The following is an entry in ClinVar:

NM_004612.4(TGFBR1):c.601A>G (p.Ile201Val)

Gene: TGFBR1 (transforming growth factor beta receptor 1; plus strand). Cytogenetic location: 9q22.33.
Variant type: single nucleotide variant.
Coding change: c.601A>G on transcript NM_004612.4 (MANE Select); coding-DNA position 601, A replaced by G.
Protein change: p.Ile201Val; replaces isoleucine 201 with valine.
Molecular consequence: missense variant.
Genome position (GRCh38, 1-based): chr9:99,137,885, A>G. VCF-style: chr9-99137885-A-G. GRCh37 (hg19) VCF-style: chr9-101900167-A-G.
Other names: c.601A>G (NM_004612.2); c.370A>G, p.Ile124Val (NM_001130916.3); c.613A>G, p.Ile205Val (NM_001306210.2); short protein forms I205V, I201V, I124V.
Identifiers: ClinVar variation 1381456 (VCV001381456.9), dbSNP rs781042616, ClinGen allele CA042631.
Genomic context (GRCh38, chr9:99,137,885, plus strand): 5'-GATTGTGTTGAGTACTATTTATTTTTACCTTTAGGTTTACCATTGCTTGTTCAGAGAACA[A>G]TTGCGAGAACTATTGTGTTACAAGAAAGCATTGGCAAAGGTCGATTTGGAGAAGTTTGGA-3'
Protein context (NP_004603.1, residues 191-211): SGLPLLVQRT[Ile201Val]ARTIVLQESI

ClinVar aggregate classification (germline): Uncertain significance. Review status: criteria provided, multiple submitters, no conflicts (2 of 4 stars). 2 submissions from 2 submitters: Uncertain significance (2). Last evaluated 2025-03-26.

Conditions:
Familial thoracic aortic aneurysm and aortic dissection (TAAD). Also called: Thoracic aortic aneurysms and dissections. Identifiers: Orphanet 91387, MedGen C4707243, MONDO:0019625.

Allele frequency attached by ClinVar (database versions not stated): gnomAD exomes below 0.00001; TOPMed below 0.00001; ExAC 0.00001.

Submissions (2):

Labcorp Genetics (formerly Invitae), Labcorp
Classification: Uncertain significance for Familial thoracic aortic aneurysm and aortic dissection. Last evaluated: 2025-03-26. Review status: criteria provided, single submitter. Criteria: Invitae Variant Classification Sherloc (09022015). Collection method: clinical testing. Allele origin: germline.
Comment: This sequence change replaces isoleucine, which is neutral and non-polar, with valine, which is neutral and non-polar, at codon 201 of the TGFBR1 protein (p.Ile201Val). This variant is present in population databases (rs781042616, gnomAD 0.0009%). This variant has not been reported in the literature in individuals affected with TGFBR1-related conditions. ClinVar contains an entry for this variant (Variation ID: 1381456). Invitae Evidence Modeling of protein sequence and biophysical properties (such as structural, functional, and spatial information, amino acid conservation, physicochemical variation, residue mobility, and thermodynamic stability) indicates that this missense variant is not expected to disrupt TGFBR1 protein function with a negative predictive value of 80%. In summary, the available evidence is currently insufficient to determine the role of this variant in disease. Therefore, it has been classified as a Variant of Uncertain Significance.

GeneDx
Classification: Uncertain significance. Last evaluated: 2024-12-18. Review status: criteria provided, single submitter. Criteria: GeneDx Variant Classification Process June 2021. Collection method: clinical testing. Allele origin: germline. Affected: yes.
Comment: Not observed at significant frequency in large population cohorts (gnomAD); In silico analysis indicates that this missense variant does not alter protein structure/function; Has not been previously published as pathogenic or benign to our knowledge